The following is an entry in ClinVar:

NM_203447.4(DOCK8):c.5992G>A (p.Ala1998Thr)

Gene: DOCK8 (dedicator of cytokinesis 8; plus strand). Cytogenetic location: 9p24.3.
Variant type: single nucleotide variant.
Coding change: c.5992G>A on transcript NM_203447.4 (MANE Select); coding-DNA position 5992, G replaced by A.
Protein change: p.Ala1998Thr; replaces alanine 1998 with threonine.
Molecular consequence: missense variant.
Genome position (GRCh38, 1-based): chr9:452,041, G>A. VCF-style: chr9-452041-G-A. GRCh37 (hg19) VCF-style: chr9-452041-G-A.
Other names: c.5692G>A, p.Ala1898Thr (NM_001190458.2); c.5788G>A, p.Ala1930Thr (NM_001193536.2); short protein forms A1898T, A1998T, A1930T.
Identifiers: ClinVar variation 3646507 (VCV003646507.2).

ClinVar aggregate classification (germline): Uncertain significance (1 of 4 stars; one submission).

Conditions:
Combined immunodeficiency due to DOCK8 deficiency (HIES2). Also called: HIES autosomal recessive; Hyper-IgE recurrent infection syndrome, autosomal recessive; HYPER-IgE RECURRENT INFECTION SYNDROME 2, AUTOSOMAL RECESSIVE; DOCK8 Deficiency; HYPER-IgE SYNDROME 2, AUTOSOMAL RECESSIVE, WITH RECURRENT INFECTIONS. Identifiers: Orphanet 217390, MedGen C4722305, MONDO:0009478, OMIM 243700.

Submission:

Labcorp Genetics (formerly Invitae), Labcorp
Classification: Uncertain significance for Combined immunodeficiency due to DOCK8 deficiency. Last evaluated: 2024-05-22. Review status: criteria provided, single submitter. Criteria: Invitae Variant Classification Sherloc (09022015). Collection method: clinical testing. Allele origin: germline.
Comment: This sequence change replaces alanine, which is neutral and non-polar, with threonine, which is neutral and polar, at codon 1998 of the DOCK8 protein (p.Ala1998Thr). This variant is not present in population databases (gnomAD no frequency). This variant has not been reported in the literature in individuals affected with DOCK8-related conditions. Advanced modeling of protein sequence and biophysical properties (such as structural, functional, and spatial information, amino acid conservation, physicochemical variation, residue mobility, and thermodynamic stability) performed at Invitae indicates that this missense variant is not expected to disrupt DOCK8 protein function with a negative predictive value of 80%. In summary, the available evidence is currently insufficient to determine the role of this variant in disease. Therefore, it has been classified as a Variant of Uncertain Significance.